The following is an entry in ClinVar:

NM_020778.5(ALPK3):c.-94_-92dup

Gene: ALPK3 (alpha kinase 3; plus strand). Cytogenetic location: 15q25.3.
Variant type: Duplication.
Coding change: c.-94_-92dup on transcript NM_020778.5 (MANE Select); 94 bases upstream of the start codon through 92 bases upstream of the start codon, 3 bases duplicated (AGC; older notation c.-94_-92dupAGC).
Molecular consequence: 5 prime UTR variant.
Genome position (GRCh38, 1-based): chr15:84,817,359-84,817,361, AGC duplicated. VCF-style (leftmost placement, unchanged base first): chr15-84817358-G-GAGC. GRCh37 (hg19) VCF-style: chr15-85360589-G-GAGC.
Identifiers: ClinVar variation 1481586 (VCV001481586.6), dbSNP rs2141542019, ClinGen allele CA2573151295.
Genomic context (GRCh38, chr15:84,817,358, plus strand): 5'-AGCAGGTGACGACGGCCCGGCCACCGGCTATAAATAGGGGCGCGCGTCAGCCGCGGGCGG[G>GAGC]AGCGGCGGCGGCGGGCAGGGGCCCGGGGGCCGGGGCCTGGAGGACAGGCGAGGCAGCGGC-3'

ClinVar aggregate classification (germline): Uncertain significance (1 of 4 stars; one submission).

Allele frequency attached by ClinVar (database versions not stated): gnomAD exomes below 0.00001.

Submission:

Labcorp Genetics (formerly Invitae), Labcorp
Classification: Uncertain significance. Last evaluated: 2024-05-16. Review status: criteria provided, single submitter. Criteria: Invitae Variant Classification Sherloc (09022015). Collection method: clinical testing. Allele origin: germline.
Comment: This variant, c.513_515dup, results in the insertion of 1 amino acid(s) of the ALPK3 protein (p.Ala175dup), but otherwise preserves the integrity of the reading frame. This variant is not present in population databases (gnomAD no frequency). This variant has not been reported in the literature in individuals affected with ALPK3-related conditions. ClinVar contains an entry for this variant (Variation ID: 1481586). Experimental studies and prediction algorithms are not available or were not evaluated, and the functional significance of this variant is currently unknown. In summary, the available evidence is currently insufficient to determine the role of this variant in disease. Therefore, it has been classified as a Variant of Uncertain Significance.